The following is an entry in ClinVar:

NM_022662.4(ANAPC1):c.2591C>T (p.Pro864Leu)

Gene: ANAPC1 (anaphase promoting complex subunit 1; minus strand). Cytogenetic location: 2q13.
Variant type: single nucleotide variant.
Coding change: c.2591C>T on transcript NM_022662.4 (MANE Select); coding-DNA position 2591, C replaced by T.
Protein change: p.Pro864Leu; replaces proline 864 with leucine.
Molecular consequence: missense variant.
Genome position (GRCh38, 1-based): chr2:111,831,320, G>A on the plus strand (C>T on the coding strand, the complement: ANAPC1 is on the minus strand). VCF-style: chr2-111831320-G-A. GRCh37 (hg19) VCF-style: chr2-112588897-G-A.
Other names: short protein forms P864L.
Identifiers: ClinVar variation 4048669 (VCV004048669.2).
Genomic context (GRCh38, chr2:111,831,320, plus strand): 5'-TAGGTAGTAACACTCCACATACATACCAAGACTACAAGTCTGCTTCTTTCACAGATTCCA[G>A]GGAGGTAAGGATAAGGTGGCATTCCTTCACCCTTCAGACAAGAACTCACCCACTGATAAA-3'
Protein context (NP_073153.1, residues 854-874): GEGMPPYPYL[Pro864Leu]GICERSRLVV

ClinVar aggregate classification (germline): Uncertain significance. Review status: criteria provided, multiple submitters, no conflicts (2 of 4 stars). 2 submissions from 2 submitters: Uncertain significance (2). Last evaluated 2026-08-06.

Conditions:
Rothmund-Thomson syndrome type 1 (RTS1). Also called: POIKILODERMA ATROPHICANS AND CATARACT. Identifiers: Orphanet 221008, MedGen C5231433, MONDO:0016368, OMIM 618625.

gnomAD v4.1: 69 of 1,611,830 alleles (0.0043%); highest among the groups gnomAD compares: Middle Eastern, 0.09%; no homozygotes.

Submissions (2):

OLLIN Analises Genomicas, OLLIN
Classification: Uncertain significance for Rothmund-Thomson syndrome type 1. Last evaluated: 2026-08-06. Review status: criteria provided, single submitter. Criteria: ACMG Guidelines 2015 PMID 25741868. Collection method: clinical testing. Allele origin: germline. Inheritance: Autosomal recessive inheritance.
Comment: This missense variant, located in exon 21 (of 48), has been reported in ClinVar (accession VCV004048669.1) and in gnomAD with an allele frequency of 0.0043%. However, to our knowledge, it has not been reported in the scientific literature. In silico analysis predicts that this variant has a tolerated effect. According to the currently available evidence, this variant has been classified as uncertain significance (PM2_P, BP4).

Ambry Genetics
Classification: Uncertain significance. Last evaluated: 2025-05-20. Review status: criteria provided, single submitter. Criteria: Ambry Variant Classification Scheme 2023. Collection method: clinical testing. Allele origin: germline.